The following is an entry in ClinVar:

ClinVar aggregate classification (germline): Uncertain significance (1 of 4 stars; one submission).

Allele frequency attached by ClinVar (database versions not stated): gnomAD exomes below 0.00001.
gnomAD v4.1: 1 of 1,613,788 alleles (0.000062%); highest among the groups gnomAD compares: Admixed American, 0.0017%; no homozygotes.

Submission:

Labcorp Genetics (formerly Invitae), Labcorp
Classification: Uncertain significance. Last evaluated: 2022-10-13. Review status: criteria provided, single submitter. Criteria: Invitae Variant Classification Sherloc (09022015). Collection method: clinical testing. Allele origin: germline.
Comment: This variant has not been reported in the literature in individuals affected with ADGRV1-related conditions. This variant is not present in population databases (gnomAD no frequency). This sequence change replaces phenylalanine, which is neutral and non-polar, with leucine, which is neutral and non-polar, at codon 2455 of the ADGRV1 protein (p.Phe2455Leu). In summary, the available evidence is currently insufficient to determine the role of this variant in disease. Therefore, it has been classified as a Variant of Uncertain Significance. Advanced modeling of protein sequence and biophysical properties (such as structural, functional, and spatial information, amino acid conservation, physicochemical variation, residue mobility, and thermodynamic stability) performed at Invitae indicates that this missense variant is not expected to disrupt ADGRV1 protein function. Algorithms developed to predict the effect of sequence changes on RNA splicing suggest that this variant may disrupt the consensus splice site.

NM_032119.4(ADGRV1):c.7365C>G (p.Phe2455Leu)

Gene: ADGRV1 (adhesion G protein-coupled receptor V1; plus strand). Cytogenetic location: 5q14.3.
Variant type: single nucleotide variant.
Coding change: c.7365C>G on transcript NM_032119.4 (MANE Select); coding-DNA position 7365, C replaced by G.
Protein change: p.Phe2455Leu; replaces phenylalanine 2455 with leucine.
Molecular consequence: missense variant. On other transcripts: non-coding transcript variant (1).
Genome position (GRCh38, 1-based): chr5:90,694,121, C>G. VCF-style: chr5-90694121-C-G. GRCh37 (hg19) VCF-style: chr5-89989938-C-G.
Other names: short protein forms F2455L.
Identifiers: ClinVar variation 1899725 (VCV001899725.5), dbSNP rs2530948337, ClinGen allele CA360376756.